The following is an entry in ClinVar:

NM_017514.5(PLXNA3):c.3279G>T (p.Ala1093=)

Gene: PLXNA3 (plexin A3; plus strand). Cytogenetic location: Xq28.
Variant type: single nucleotide variant.
Coding change: c.3279G>T on transcript NM_017514.5 (MANE Select); coding-DNA position 3279, G replaced by T.
Protein change: p.Ala1093=; no amino-acid change (alanine 1093 retained).
Molecular consequence: synonymous variant.
Genome position (GRCh38, 1-based): chrX:154,467,309, G>T. VCF-style: chrX-154467309-G-T. GRCh37 (hg19) VCF-style: chrX-153695652-G-T.
Identifiers: ClinVar variation 4990015 (VCV004990015.1).

ClinVar aggregate classification (germline): Likely benign (1 of 4 stars; one submission).

Conditions:
PLXNA3-related disorder. Also called: PLXNA3-related condition.

gnomAD v4.1: 6 of 1,207,604 alleles (0.0005%); highest among the groups gnomAD compares: Non-Finnish European, 0.00067%; no homozygotes.

Submission:

PreventionGenetics, part of Exact Sciences
Classification: Likely benign for PLXNA3-related condition. Last evaluated: 2025-11-11. Review status: criteria provided, single submitter. Criteria: ACMG Guidelines, 2015. Collection method: clinical testing. Allele origin: germline.
Comment: This variant is classified as likely benign based on ACMG/AMP sequence variant interpretation guidelines (Richards et al. 2015 PMID: 25741868, with internal and published modifications).